The following is an entry in ClinVar:

NM_002184.4(IL6ST):c.1039G>A (p.Val347Ile)

Gene: IL6ST (interleukin 6 cytokine family signal transducer; minus strand). Cytogenetic location: 5q11.2.
Variant type: single nucleotide variant.
Coding change: c.1039G>A on transcript NM_002184.4 (MANE Select); coding-DNA position 1039, G replaced by A.
Protein change: p.Val347Ile; replaces valine 347 with isoleucine.
Molecular consequence: missense variant. On other transcripts: non-coding transcript variant (2), intron variant (2).
Genome position (GRCh38, 1-based): chr5:55,957,226, C>T on the plus strand (G>A on the coding strand, the complement: IL6ST is on the minus strand). VCF-style: chr5-55957226-C-T. GRCh37 (hg19) VCF-style: chr5-55253054-C-T.
Other names: c.1039G>A (NM_002184.3); c.1039G>A, p.Val347Ile (NM_001190981.2, NM_001364275.2); c.829G>A, p.Val277Ile (NM_001364276.2); c.172G>A, p.Val58Ile (NM_001364277.2); c.136G>A, p.Val46Ile (NM_001364278.2); c.61-991G>A (NM_001364279.2); c.974-991G>A (NM_175767.3); short protein forms V347I, V46I, V277I, V58I.
Identifiers: ClinVar variation 1448779 (VCV001448779.9), dbSNP rs1479022540, ClinGen allele CA359764669.

ClinVar aggregate classification (germline): Uncertain significance. Review status: criteria provided, multiple submitters, no conflicts (2 of 4 stars). 2 submissions from 2 submitters: Uncertain significance (2). Last evaluated 2025-08-18.

Allele frequency attached by ClinVar (database versions not stated): gnomAD exomes below 0.00001; TOPMed 0.00001; gnomAD 0.00001.
gnomAD v4.1: 5 of 1,524,388 alleles (0.00033%); highest among the groups gnomAD compares: South Asian, 0.0024%; no homozygotes.

Submissions (2):

Labcorp Genetics (formerly Invitae), Labcorp
Classification: Uncertain significance. Last evaluated: 2025-08-18. Review status: criteria provided, single submitter. Criteria: Invitae Variant Classification Sherloc (09022015). Collection method: clinical testing. Allele origin: germline.
Comment: This sequence change replaces valine, which is neutral and non-polar, with isoleucine, which is neutral and non-polar, at codon 347 of the IL6ST protein (p.Val347Ile). The frequency data for this variant in the population databases is considered unreliable, as metrics indicate poor data quality at this position in the gnomAD database. This variant has not been reported in the literature in individuals affected with IL6ST-related conditions. ClinVar contains an entry for this variant (Variation ID: 1448779). An algorithm developed to predict the effect of missense changes on protein structure and function outputs the following: PolyPhen-2: "Benign". The isoleucine amino acid residue is found in multiple mammalian species, which suggests that this missense change does not adversely affect protein function. In summary, the available evidence is currently insufficient to determine the role of this variant in disease. Therefore, it has been classified as a Variant of Uncertain Significance.

Ambry Genetics
Classification: Uncertain significance. Last evaluated: 2025-06-19. Review status: criteria provided, single submitter. Criteria: Ambry Variant Classification Scheme 2023. Collection method: clinical testing. Allele origin: germline.